The following is an entry in ClinVar:

ClinVar aggregate classification (germline): Likely benign. Review status: criteria provided, multiple submitters, no conflicts (2 of 4 stars). 2 submissions from 2 submitters: Likely benign (2). Last evaluated 2023-11-06.

Conditions:
GLUT1 deficiency syndrome 1, autosomal recessive. Identifiers: MedGen C3149117.

Allele frequency attached by ClinVar (database versions not stated): gnomAD exomes below 0.00001 and 0.00001; TOPMed below 0.00001; ExAC 0.00001; gnomAD 0.00001.
gnomAD v4.1: 6 of 1,608,220 alleles (0.00037%); highest among the groups gnomAD compares: African/African-American, 0.0013%; no homozygotes.

Submissions (2):

Labcorp Genetics (formerly Invitae), Labcorp
Classification: Likely benign for GLUT1 deficiency syndrome 1, autosomal recessive. Last evaluated: 2023-11-06. Review status: criteria provided, single submitter. Criteria: Invitae Variant Classification Sherloc (09022015). Collection method: clinical testing. Allele origin: germline.

GeneDx
Classification: Likely benign. Last evaluated: 2017-09-28. Review status: criteria provided, single submitter. Criteria: GeneDx Variant Classification (06012015). Collection method: clinical testing. Allele origin: germline. Affected: yes.
Comment: This variant is considered likely benign or benign based on one or more of the following criteria: it is a conservative change, it occurs at a poorly conserved position in the protein, it is predicted to be benign by multiple in silico algorithms, and/or has population frequency not consistent with disease.

NM_006516.4(SLC2A1):c.867+11C>T

Gene: SLC2A1 (solute carrier family 2 member 1; minus strand). Cytogenetic location: 1p34.2.
Variant type: single nucleotide variant.
Coding change: c.867+11C>T on transcript NM_006516.4 (MANE Select); 11 bases into the intron after coding-DNA position 867, C replaced by T.
Molecular consequence: intron variant.
Genome position (GRCh38, 1-based): chr1:42,929,582, G>A on the plus strand (C>T on the coding strand, the complement: SLC2A1 is on the minus strand). VCF-style: chr1-42929582-G-A. GRCh37 (hg19) VCF-style: chr1-43395253-G-A.
Identifiers: ClinVar variation 512372 (VCV000512372.4), dbSNP rs749185363, ClinGen allele CA803446.